The following is an entry in ClinVar:

NC_000003.11:g.(?_123471158)_(123471405_?)del

Gene: MYLK (myosin light chain kinase; minus strand). Cytogenetic location: 3q21.1.
Variant type: Deletion.
Identifiers: ClinVar variation 3246911 (VCV003246911.1).

ClinVar aggregate classification (germline): Pathogenic (1 of 4 stars; one submission).

Conditions:
Aortic aneurysm, familial thoracic 7 (AAT7). Also called: AORTIC DISSECTION, FAMILIAL, WITH OR WITHOUT AORTIC ANEURYSM. Identifiers: MedGen C3151077, MONDO:0013418, OMIM 613780.

Submission:

Labcorp Genetics (formerly Invitae), Labcorp
Classification: Pathogenic for Aortic aneurysm, familial thoracic 7. Last evaluated: 2023-10-30. Review status: criteria provided, single submitter. Criteria: Invitae Variant Classification Sherloc (09022015). Collection method: clinical testing. Allele origin: unknown.
Comment: This variant is a gross deletion of the genomic region encompassing exon(s) 5 of the MYLK gene. This deletion is out-of-frame, and is expected to create a premature termination codon and result in an absent or disrupted protein product. Loss-of-function variants in MYLK are known to be pathogenic (PMID: 21055718, 28602422). This variant has not been reported in the literature in individuals affected with MYLK-related conditions. For these reasons, this variant has been classified as Pathogenic.

Literature cited by the submitters: PubMed 21055718; PubMed 28602422.